The following is an entry in ClinVar:

ClinVar aggregate classification (germline): Uncertain significance (1 of 4 stars; one submission).

Conditions:
Rubinstein-Taybi syndrome (RSTS). Identifiers: Orphanet 783, MedGen C0035934, MONDO:0019188.

Submission:

Labcorp Genetics (formerly Invitae), Labcorp
Classification: Uncertain significance for Rubinstein-Taybi syndrome. Last evaluated: 2022-03-14. Review status: criteria provided, single submitter. Criteria: Invitae Variant Classification Sherloc (09022015). Collection method: clinical testing. Allele origin: germline.
Comment: In summary, the available evidence is currently insufficient to determine the role of this variant in disease. Therefore, it has been classified as a Variant of Uncertain Significance. Advanced modeling of protein sequence and biophysical properties (such as structural, functional, and spatial information, amino acid conservation, physicochemical variation, residue mobility, and thermodynamic stability) performed at Invitae indicates that this missense variant is not expected to disrupt CREBBP protein function. This variant has not been reported in the literature in individuals affected with CREBBP-related conditions. This variant is not present in population databases (gnomAD no frequency). This sequence change replaces serine, which is neutral and polar, with threonine, which is neutral and polar, at codon 2055 of the CREBBP protein (p.Ser2055Thr).

NM_004380.3(CREBBP):c.6164G>C (p.Ser2055Thr)

Gene: CREBBP (CREB binding lysine acetyltransferase; minus strand). Cytogenetic location: 16p13.3.
Variant type: single nucleotide variant.
Coding change: c.6164G>C on transcript NM_004380.3 (MANE Select); coding-DNA position 6164, G replaced by C.
Protein change: p.Ser2055Thr; replaces serine 2055 with threonine.
Molecular consequence: missense variant.
Genome position (GRCh38, 1-based): chr16:3,728,883, C>G on the plus strand (G>C on the coding strand, the complement: CREBBP is on the minus strand). VCF-style: chr16-3728883-C-G. GRCh37 (hg19) VCF-style: chr16-3778884-C-G.
Other names: c.6050G>C, p.Ser2017Thr (NM_001079846.1); short protein forms S2055T, S2017T.
Identifiers: ClinVar variation 2111531 (VCV002111531.4), dbSNP rs2151305766, ClinGen allele CA394554006.